The following is an entry in ClinVar:

NM_014845.6(FIG4):c.2431_2432del (p.Ser811fs)

Gene: FIG4 (FIG4 phosphoinositide 5-phosphatase; plus strand). Cytogenetic location: 6q21.
Variant type: Microsatellite.
Coding change: c.2431_2432del on transcript NM_014845.6 (MANE Select); coding-DNA positions 2431 to 2432, 2 bases deleted (TC; older notation c.2431_2432delTC).
Protein change: p.Ser811fs; shifts the reading frame from serine 811.
Molecular consequence: frameshift variant.
Genome position (GRCh38, 1-based): chr6:109,792,636-109,792,637, TC deleted; deleting any 2 consecutive bases within chr6:109,792,633-109,792,637 gives the same sequence; the c. name uses the placement nearest the transcript's 3' end. VCF-style (leftmost placement, unchanged base first): chr6-109792632-CCT-C. GRCh37 (hg19) VCF-style: chr6-110113835-CCT-C.
Other names: short protein forms S811fs.
Identifiers: ClinVar variation 848084 (VCV000848084.7), dbSNP rs1778167481, ClinGen allele CA916080363.

ClinVar aggregate classification (germline): Pathogenic (1 of 4 stars; one submission).

Conditions:
Charcot-Marie-Tooth disease type 4. Also called: Charcot-Marie-Tooth disease, type IV; Charcot-Marie-Tooth, Type 4. Identifiers: Orphanet 64749, MedGen C4082197, MONDO:0018995.

Submission:

Labcorp Genetics (formerly Invitae), Labcorp
Classification: Pathogenic for Charcot-Marie-Tooth disease type 4. Last evaluated: 2019-02-26. Review status: criteria provided, single submitter. Criteria: Invitae Variant Classification Sherloc (09022015). Collection method: clinical testing. Allele origin: germline.
Comment: This variant is not present in population databases (ExAC no frequency). For these reasons, this variant has been classified as Pathogenic. Loss-of-function variants in FIG4 are known to be pathogenic (PMID: 23623387). This variant has not been reported in the literature in individuals with FIG4-related conditions. This sequence change creates a premature translational stop signal (p.Ser811Argfs*19) in the FIG4 gene. It is expected to result in an absent or disrupted protein product.

Literature cited by the submitters: PubMed 23623387.